The following is an entry in ClinVar:

ClinVar aggregate classification (germline): Uncertain significance (1 of 4 stars; one submission).

gnomAD v4.1: 4 of 1,582,490 alleles (0.00025%); highest among the groups gnomAD compares: Non-Finnish European, 0.00034%; no homozygotes.

Submission:

Labcorp Genetics (formerly Invitae), Labcorp
Classification: Uncertain significance. Last evaluated: 2022-05-19. Review status: criteria provided, single submitter. Criteria: Invitae Variant Classification Sherloc (09022015). Collection method: clinical testing. Allele origin: germline.
Comment: In summary, the available evidence is currently insufficient to determine the role of this variant in disease. Therefore, it has been classified as a Variant of Uncertain Significance. Algorithms developed to predict the effect of missense changes on protein structure and function are either unavailable or do not agree on the potential impact of this missense change (SIFT: "Deleterious"; PolyPhen-2: "Benign"; Align-GVGD: "Class C65"). This variant has not been reported in the literature in individuals affected with SOX18-related conditions. This variant is present in population databases (no rsID available, gnomAD 0.01%). This sequence change replaces lysine, which is basic and polar, with asparagine, which is neutral and polar, at codon 159 of the SOX18 protein (p.Lys159Asn).

NM_018419.3(SOX18):c.477G>C (p.Lys159Asn)

Gene: SOX18 (SRY-box transcription factor 18; minus strand). Cytogenetic location: 20q13.33.
Variant type: single nucleotide variant.
Coding change: c.477G>C on transcript NM_018419.3 (MANE Select); coding-DNA position 477, G replaced by C.
Protein change: p.Lys159Asn; replaces lysine 159 with asparagine.
Molecular consequence: missense variant.
Genome position (GRCh38, 1-based): chr20:64,048,844, C>G on the plus strand (G>C on the coding strand, the complement: SOX18 is on the minus strand). VCF-style: chr20-64048844-C-G. GRCh37 (hg19) VCF-style: chr20-62680197-C-G.
Other names: short protein forms K159N.
Identifiers: ClinVar variation 1993230 (VCV001993230.4), dbSNP rs1433139583, ClinGen allele CA409754269.